The following is an entry in ClinVar:

NM_198578.4(LRRK2):c.2753G>A (p.Arg918Gln)

Gene: LRRK2 (leucine rich repeat kinase 2; plus strand). Cytogenetic location: 12q12.
Variant type: single nucleotide variant.
Coding change: c.2753G>A on transcript NM_198578.4 (MANE Select); coding-DNA position 2753, G replaced by A.
Protein change: p.Arg918Gln; replaces arginine 918 with glutamine.
Molecular consequence: missense variant.
Genome position (GRCh38, 1-based): chr12:40,293,608, G>A. VCF-style: chr12-40293608-G-A. GRCh37 (hg19) VCF-style: chr12-40687410-G-A.
Other names: short protein forms R918Q.
Identifiers: ClinVar variation 1795585 (VCV001795585.4), dbSNP rs959668316, ClinGen allele CA235345690.

ClinVar aggregate classification (germline): Uncertain significance. Review status: criteria provided, multiple submitters, no conflicts (2 of 4 stars). 2 submissions from 2 submitters: Uncertain significance (2). Last evaluated 2024-03-18.

Conditions:
Inborn genetic diseases. Identifiers: MedGen C0950123, MeSH D030342.
Autosomal dominant Parkinson disease 8. Also called: Parkinson disease 8, susceptibility to; LRRK2-Related Parkinson Disease; Parkinson disease 8. Identifiers: Orphanet 411602, MedGen C1846862, MONDO:0011764, OMIM 607060.

Allele frequency attached by ClinVar (database versions not stated): gnomAD 0.00001; TOPMed 0.00002.

Submissions (2):

Fulgent Genetics
Classification: Uncertain significance for Autosomal dominant Parkinson disease 8. Last evaluated: 2024-03-18. Review status: criteria provided, single submitter. Criteria: ACMG Guidelines, 2015. Collection method: clinical testing. Allele origin: germline.

Ambry Genetics
Classification: Uncertain significance for Inborn genetic diseases. Last evaluated: 2023-07-04. Review status: criteria provided, single submitter. Criteria: Ambry Variant Classification Scheme 2023. Collection method: clinical testing. Allele origin: germline.
Comment: The p.R918Q variant (also known as c.2753G>A), located in coding exon 21 of the LRRK2 gene, results from a G to A substitution at nucleotide position 2753. The arginine at codon 918 is replaced by glutamine, an amino acid with highly similar properties. This amino acid position is conserved. In addition, this alteration is predicted to be tolerated by in silico analysis. Since supporting evidence is limited at this time, the clinical significance of this alteration remains unclear.